The following is an entry in ClinVar:

ClinVar aggregate classification (germline): Pathogenic (1 of 4 stars; one submission).

Conditions:
Primary ciliary dyskinesia. Also called: Ciliary dyskinesia. Identifiers: Orphanet 244, MedGen C0008780, MONDO:0016575, HP:0012265.

Submission:

Labcorp Genetics (formerly Invitae), Labcorp
Classification: Pathogenic for Primary ciliary dyskinesia. Last evaluated: 2021-07-31. Review status: criteria provided, single submitter. Criteria: Invitae Variant Classification Sherloc (09022015). Collection method: clinical testing. Allele origin: germline.
Comment: This sequence change creates a premature translational stop signal (p.Gly1985Glnfs*6) in the DNAH5 gene. It is expected to result in an absent or disrupted protein product. Loss-of-function variants in DNAH5 are known to be pathogenic (PMID: 11788826, 16627867). This variant is not present in population databases (ExAC no frequency). This variant has not been reported in the literature in individuals affected with DNAH5-related conditions. For these reasons, this variant has been classified as Pathogenic.

Literature cited by the submitters: PubMed 11788826; PubMed 16627867.

NM_001369.3(DNAH5):c.5953_5954del (p.Gly1985fs)

Gene: DNAH5 (dynein axonemal heavy chain 5; minus strand). Cytogenetic location: 5p15.2.
Variant type: Deletion.
Coding change: c.5953_5954del on transcript NM_001369.3 (MANE Select); coding-DNA positions 5953 to 5954, 2 bases deleted (GG; older notation c.5953_5954delGG).
Protein change: p.Gly1985fs; shifts the reading frame from glycine 1985.
Molecular consequence: frameshift variant.
Genome position (GRCh38, 1-based): chr5:13,830,704-13,830,705, CC deleted on the plus strand (GG on the coding strand, the reverse complement: DNAH5 is on the minus strand). VCF-style (leftmost placement, unchanged base first): chr5-13830703-GCC-G. GRCh37 (hg19) VCF-style: chr5-13830812-GCC-G.
Other names: short protein forms G1985fs.
Identifiers: ClinVar variation 1423742 (VCV001423742.6), dbSNP rs2151838095, ClinGen allele CA2573138489.